The following is an entry in ClinVar:

NM_001003800.2(BICD2):c.1501C>T (p.Arg501Trp)

Gene: BICD2 (BICD cargo adaptor 2; minus strand). Cytogenetic location: 9q22.31.
Variant type: single nucleotide variant.
Coding change: c.1501C>T on transcript NM_001003800.2 (MANE Select); coding-DNA position 1501, C replaced by T.
Protein change: p.Arg501Trp; replaces arginine 501 with tryptophan.
Molecular consequence: missense variant.
Genome position (GRCh38, 1-based): chr9:92,719,144, G>A on the plus strand (C>T on the coding strand, the complement: BICD2 is on the minus strand). VCF-style: chr9-92719144-G-A. GRCh37 (hg19) VCF-style: chr9-95481426-G-A.
Other names: c.1501C>T, p.Arg501Trp (NM_015250.4); short protein forms R501W.
Identifiers: ClinVar variation 846210 (VCV000846210.15), dbSNP rs373224610, ClinGen allele CA5126536.

ClinVar aggregate classification (germline): Conflicting classifications of pathogenicity. Review status: criteria provided, conflicting classifications (1 of 4 stars). 3 submissions from 3 submitters: Uncertain significance (2); Benign (1). Last evaluated 2025-09-10.

Conditions:
Inborn genetic diseases. Identifiers: MedGen C0950123, MeSH D030342.
Autosomal dominant childhood-onset proximal spinal muscular atrophy with contractures (SMALED2A). Also called: SPINAL MUSCULAR ATROPHY, LOWER EXTREMITY-PREDOMINANT, 2A, CHILDHOOD ONSET, AUTOSOMAL DOMINANT; Spinal muscular atrophy, lower extremity-predominant, 2A, autosomal dominant. Identifiers: Orphanet 363447, Orphanet 363454, MedGen C4747715, MONDO:0014121, OMIM 615290.

Allele frequency attached by ClinVar (database versions not stated): TOPMed 0.00003; gnomAD exomes 0.00004; gnomAD 0.00005; ExAC 0.00007; ESP Exome Variant Server 0.00008.
gnomAD v4.1: 62 of 1,611,946 alleles (0.0038%); highest among the groups gnomAD compares: African/African-American, 0.008%; no homozygotes.

Submissions (3):

Ambry Genetics
Classification: Uncertain significance for Inborn genetic diseases. Last evaluated: 2025-09-10. Review status: criteria provided, single submitter. Criteria: Ambry Variant Classification Scheme 2023. Collection method: clinical testing. Allele origin: germline.
Comment: The alteration results in an amino acid change: The c.1501C>T (p.R501W) alteration is located in coding exon 5 of the BICD2 gene. This alteration results from a C to T substitution at nucleotide position 1501, causing the arginine (R) at amino acid position 501 to be replaced by a tryptophan (W). The altered amino acid is not conserved throughout evolution: The p.R501 amino acid is not conserved in available vertebrate species. The alteration is predicted tolerated by in silico modeling: The p.R501W alteration is predicted to be tolerated by in silico analysis. Based on insufficient or conflicting evidence, the clinical significance of this alteration remains unclear.

Labcorp Genetics (formerly Invitae), Labcorp
Classification: Benign for Autosomal dominant childhood-onset proximal spinal muscular atrophy with contractures. Last evaluated: 2025-03-26. Review status: criteria provided, single submitter. Criteria: Invitae Variant Classification Sherloc (09022015). Collection method: clinical testing. Allele origin: germline.

Blueprint Genetics
Classification: Uncertain significance. Last evaluated: 2024-08-14. Review status: criteria provided, single submitter. Criteria: ACMG Guidelines, 2015. Collection method: clinical testing. Allele origin: germline.

Literature cited by the submitters: PubMed 23664120 (cited by Ambry Genetics).